The following is an entry in ClinVar:

NM_012062.5(DNM1L):c.1379T>C (p.Leu460Pro)

Gene: DNM1L (dynamin 1 like; plus strand). Cytogenetic location: 12p11.21.
Variant type: single nucleotide variant.
Coding change: c.1379T>C on transcript NM_012062.5 (MANE Select); coding-DNA position 1379, T replaced by C.
Protein change: p.Leu460Pro; replaces leucine 460 with proline.
Molecular consequence: missense variant.
Genome position (GRCh38, 1-based): chr12:32,731,876, T>C. VCF-style: chr12-32731876-T-C. GRCh37 (hg19) VCF-style: chr12-32884810-T-C.
Other names: c.1379T>C, p.Leu460Pro (NM_001278463.2, NM_005690.5, NM_012063.4); c.1418T>C, p.Leu473Pro (NM_001278464.2, NM_001278465.2, NM_001330380.2); c.770T>C, p.Leu257Pro (NM_001278466.2); short protein forms L460P, L257P, L473P.
Identifiers: ClinVar variation 2749749 (VCV002749749.3), dbSNP rs2541083848, ClinGen allele CA384359392.

ClinVar aggregate classification (germline): Uncertain significance (1 of 4 stars; one submission).

Submission:

Labcorp Genetics (formerly Invitae), Labcorp
Classification: Uncertain significance. Last evaluated: 2023-11-27. Review status: criteria provided, single submitter. Criteria: Invitae Variant Classification Sherloc (09022015). Collection method: clinical testing. Allele origin: germline.
Comment: This sequence change replaces leucine, which is neutral and non-polar, with proline, which is neutral and non-polar, at codon 460 of the DNM1L protein (p.Leu460Pro). This variant is not present in population databases (gnomAD no frequency). This variant has not been reported in the literature in individuals affected with DNM1L-related conditions. An algorithm developed to predict the effect of missense changes on protein structure and function (PolyPhen-2) suggests that this variant is likely to be disruptive. In summary, the available evidence is currently insufficient to determine the role of this variant in disease. Therefore, it has been classified as a Variant of Uncertain Significance.